The following is an entry in ClinVar:

NM_000138.5(FBN1):c.228C>T (p.Gly76=)

Gene: FBN1 (fibrillin 1; minus strand). Cytogenetic location: 15q21.1.
Variant type: single nucleotide variant.
Coding change: c.228C>T on transcript NM_000138.5 (MANE Select); coding-DNA position 228, C replaced by T.
Protein change: p.Gly76=; no amino-acid change (glycine 76 retained).
Molecular consequence: synonymous variant.
Genome position (GRCh38, 1-based): chr15:48,613,029, G>A on the plus strand (C>T on the coding strand, the complement: FBN1 is on the minus strand). VCF-style: chr15-48613029-G-A. GRCh37 (hg19) VCF-style: chr15-48905226-G-A.
Identifiers: ClinVar variation 519767 (VCV000519767.21), dbSNP rs141651917, ClinGen allele CA047296.

ClinVar aggregate classification (germline): Likely benign. Review status: criteria provided, multiple submitters, no conflicts (2 of 4 stars). 6 submissions from 6 submitters: Likely benign (6). Last evaluated 2026-02-02.

Conditions:
Familial thoracic aortic aneurysm and aortic dissection (TAAD). Also called: Thoracic aortic aneurysms and dissections. Identifiers: Orphanet 91387, MedGen C4707243, MONDO:0019625.
Marfan syndrome (MFS). Also called: Marfan syndrome type 1; Marfan syndrome, classic; Marfan's syndrome; FBN1-Related Marfan Syndrome; MARFAN SYNDROME, TYPE I. Identifiers: Orphanet 284963, Orphanet 558, MedGen C0024796, MONDO:0007947, OMIM 154700.

Allele frequency attached by ClinVar (database versions not stated): ESP Exome Variant Server 0.00023; 1000 Genomes Project 30x 0.00016; gnomAD 0.00017 and 0.00018; 1000 Genomes Project 0.00020; TOPMed 0.00020.
gnomAD v4.1: 64 of 1,612,938 alleles (0.004%); highest among the groups gnomAD compares: African/African-American, 0.067%; no homozygotes.

Submissions (6):

Labcorp Genetics (formerly Invitae), Labcorp
Classification: Likely benign for Marfan syndrome; Familial thoracic aortic aneurysm and aortic dissection. Last evaluated: 2026-02-02. Review status: criteria provided, single submitter. Criteria: Invitae Variant Classification Sherloc (09022015). Collection method: clinical testing. Allele origin: germline.

Blueprint Genetics
Classification: Likely benign. Last evaluated: 2024-10-22. Review status: criteria provided, single submitter. Criteria: ACMG Guidelines, 2015. Collection method: clinical testing. Allele origin: germline.

Women's Health and Genetics/Laboratory Corporation of America, LabCorp
Classification: Likely benign. Last evaluated: 2023-01-14. Review status: criteria provided, single submitter. Criteria: LabCorp Variant Classification Summary - May 2015. Collection method: clinical testing. Allele origin: germline.

Color Diagnostics, LLC DBA Color Health
Classification: Likely benign for Familial thoracic aortic aneurysm and aortic dissection. Last evaluated: 2018-11-27. Review status: criteria provided, single submitter. Criteria: ACMG Guidelines, 2015. Collection method: clinical testing. Allele origin: germline.

GeneDx
Classification: Likely benign. Last evaluated: 2018-03-22. Review status: criteria provided, single submitter. Criteria: GeneDx Variant Classification (06012015). Collection method: clinical testing. Allele origin: germline. Affected: yes.
Comment: This variant is considered likely benign or benign based on one or more of the following criteria: it is a conservative change, it occurs at a poorly conserved position in the protein, it is predicted to be benign by multiple in silico algorithms, and/or has population frequency not consistent with disease.

Ambry Genetics
Classification: Likely benign for Familial thoracic aortic aneurysm and aortic dissection. Last evaluated: 2017-07-21. Review status: criteria provided, single submitter. Criteria: Ambry Variant Classification Scheme 2023. Collection method: clinical testing. Allele origin: germline.